The following is an entry in ClinVar:

ClinVar aggregate classification (germline): Likely pathogenic (1 of 4 stars; one submission).

Conditions:
Severe combined immunodeficiency disease. Also called: Severe combined immunodeficiency; Severe Combined Immune Deficiency. Identifiers: Orphanet 183660, MedGen C0085110, MeSH D016511, MONDO:0015974, HP:0004430. Inheritance: X-Linked or Autosomal recessive.

Submission:

Women's Health and Genetics/Laboratory Corporation of America, LabCorp
Classification: Likely pathogenic for Severe combined immunodeficiency disease. Last evaluated: 2022-01-11. Review status: criteria provided, single submitter. Criteria: LabCorp Variant Classification Summary - May 2015. Collection method: clinical testing. Allele origin: germline.
Comment: Variant summary: AK2 c.499_500insCA (p.Ile167ThrfsX7) results in a premature termination codon, predicted to cause a truncation of the encoded protein or absence of the protein due to nonsense mediated decay, which are commonly known mechanisms for disease. Truncations downstream of this position have been reported in HGMD in association with Reticular dysgenesis (p.Gly205Aspfs*28, p.Ser213Aspfs*21). The variant was absent in 249172 control chromosomes. To our knowledge, no occurrence of c.499_500insCA in individuals affected with Severe Combined Immunodeficiency and no experimental evidence demonstrating its impact on protein function have been reported. No clinical diagnostic laboratories have submitted clinical-significance assessments for this variant to ClinVar after 2014. Based on the evidence outlined above, the variant was classified as likely pathogenic.

NM_001625.4(AK2):c.498_499dup (p.Ile167fs)

Gene: AK2 (adenylate kinase 2; minus strand). Cytogenetic location: 1p35.1.
Variant type: Insertion.
Coding change: c.498_499dup on transcript NM_001625.4 (MANE Select); coding-DNA positions 498 to 499, 2 bases duplicated.
Protein change: p.Ile167fs; shifts the reading frame from isoleucine 167.
Molecular consequence: frameshift variant. On other transcripts: no sequence alteration (1), non-coding transcript variant (1).
Genome position: GRCh38 VCF-style: chr1-33013401-A-ATG. GRCh37 (hg19) VCF-style: chr1-33479002-A-ATG.
Other names: c.474_475dup, p.Ile159fs (NM_001199199.3); c.354_355dup, p.Ile119fs (NM_001319139.3, NM_001319140.2); c.498_499dup, p.Ile167fs (NM_001319141.3, NM_013411.5); c.372_373dup, p.Ile125fs (NM_001319142.3); c.*1_*2dup, p.Ter134= (NM_001319143.2); short protein forms I119fs, I125fs, I159fs, I167fs.
Identifiers: ClinVar variation 1339680 (VCV001339680.1), dbSNP rs1638975235, ClinGen allele CA417066577.